The following is an entry in ClinVar:

ClinVar aggregate classification (germline): Conflicting classifications of pathogenicity. Review status: criteria provided, conflicting classifications (1 of 4 stars). 3 submissions from 3 submitters: Uncertain significance (2); Benign (1). Last evaluated 2026-01-14.

Conditions:
Ehlers-Danlos syndrome, classic type, 1 (EDSCL1). Also called: Ehlers-Danlos Syndrome, Classic Type, COL5A1-Related; EHLERS-DANLOS SYNDROME, GRAVIS TYPE; EHLERS-DANLOS SYNDROME, SEVERE CLASSIC TYPE; Ehlers-Danlos syndrome, type 1; EDS I. Identifiers: MedGen C0268335, MONDO:0019567, OMIM 130000.
Familial thoracic aortic aneurysm and aortic dissection (TAAD). Also called: Thoracic aortic aneurysms and dissections. Identifiers: Orphanet 91387, MedGen C4707243, MONDO:0019625.

Allele frequency attached by ClinVar (database versions not stated): ExAC 0.00002; TOPMed 0.00006; gnomAD 0.00010; gnomAD exomes 0.00002 and 0.00003; 1000 Genomes Project 30x 0.00016; 1000 Genomes Project 0.00020.
gnomAD v4.1: 56 of 1,613,594 alleles (0.0035%); highest among the groups gnomAD compares: African/African-American, 0.015%; no homozygotes.

Submissions (3):

Ambry Genetics
Classification: Uncertain significance for Familial thoracic aortic aneurysm and aortic dissection. Last evaluated: 2026-01-14. Review status: criteria provided, single submitter. Criteria: Ambry Variant Classification Scheme 2023. Collection method: clinical testing. Allele origin: germline.

Labcorp Genetics (formerly Invitae), Labcorp
Classification: Benign for Ehlers-Danlos syndrome, classic type, 1. Last evaluated: 2025-12-14. Review status: criteria provided, single submitter. Criteria: Invitae Variant Classification Sherloc (09022015). Collection method: clinical testing. Allele origin: germline.

GeneDx
Classification: Uncertain significance. Last evaluated: 2022-04-04. Review status: criteria provided, single submitter. Criteria: GeneDx Variant Classification Process June 2021. Collection method: clinical testing. Allele origin: germline. Affected: yes.
Comment: Has not been previously published as pathogenic or benign to our knowledge; Occurs in the triple helical domain at the Y position in the canonical Gly-X-Y repeat; although this variant may have an effect on normal protein folding and function, missense substitution at the Y position is not a common mechanism of disease (Symoens et al., 2012; HGMD); In silico analysis supports that this missense variant does not alter protein structure/function; This variant is associated with the following publications: (PMID: 22696272, 24077912)

NM_000093.5(COL5A1):c.1754C>T (p.Pro585Leu)

Gene: COL5A1 (collagen type V alpha 1 chain; plus strand). Cytogenetic location: 9q34.3.
Variant type: single nucleotide variant.
Coding change: c.1754C>T on transcript NM_000093.5 (MANE Select); coding-DNA position 1754, C replaced by T.
Protein change: p.Pro585Leu; replaces proline 585 with leucine.
Molecular consequence: missense variant.
Genome position (GRCh38, 1-based): chr9:134,753,884, C>T. VCF-style: chr9-134753884-C-T. GRCh37 (hg19) VCF-style: chr9-137645730-C-T.
Other names: c.1754C>T, p.Pro585Leu (NM_001278074.1); short protein forms P585L.
Identifiers: ClinVar variation 264062 (VCV000264062.22), dbSNP rs530442560, ClinGen allele CA5318944.
Genomic context (GRCh38, chr9:134,753,884, plus strand): 5'-CATTAACACACACCATGTCTCCCTAGGGTCCCCCTGGGAGCGGAGGTTTGAAGGGCGAGC[C>T]GGGAGACGTGGGGCCTCAGGTATGTGGGATCCTTGCCTTCGCTGTCTGGTGGGCGCCTCC-3'
Protein context (NP_000084.3, residues 575-595): PPGSGGLKGE[Pro585Leu]GDVGPQGPRG